The following is an entry in ClinVar:

NM_024408.4(NOTCH2):c.4593dup (p.Leu1532fs)

Gene: NOTCH2 (notch receptor 2; minus strand). Cytogenetic location: 1p12.
Variant type: Duplication.
Coding change: c.4593dup on transcript NM_024408.4 (MANE Select); coding-DNA position 4593, one base duplicated (G; older notation c.4593dupG).
Protein change: p.Leu1532fs; shifts the reading frame from leucine 1532.
Molecular consequence: frameshift variant.
Genome position (GRCh38, 1-based): chr1:119,923,903, C duplicated on the plus strand (G on the coding strand, the reverse complement: NOTCH2 is on the minus strand); the first of 3 consecutive C bases (chr1:119,923,903-119,923,905); duplicating any one gives the same sequence. VCF-style (leftmost placement, unchanged base first): chr1-119923902-G-GC. GRCh37 (hg19) VCF-style: chr1-120466525-G-GC.
Other names: short protein forms L1532fs.
Identifiers: ClinVar variation 1805691 (VCV001805691.1), dbSNP rs2526141876, ClinGen allele CA913203535.

ClinVar aggregate classification (germline): Pathogenic (1 of 4 stars; one submission).

Conditions:
Alagille syndrome due to a NOTCH2 point mutation. Also called: Alagille syndrome 2. Identifiers: Orphanet 261629, Orphanet 52, MedGen C1857761, MONDO:0012439, OMIM 610205.

Submission:

Victorian Clinical Genetics Services, Murdoch Childrens Research Institute
Classification: Pathogenic for Alagille syndrome due to a NOTCH2 point mutation. Last evaluated: 2019-08-28. Review status: criteria provided, single submitter. Criteria: ACMG Guidelines, 2015. Collection method: clinical testing. Allele origin: germline. Inheritance: Autosomal dominant inheritance.
Comment: A heterozygous frameshift duplication variant, NM_024408.3(NOTCH2):c.4593dup, has been identified in exon 26 of 34 of the NOTCH2 gene. This duplication is predicted to create a frameshift starting at amino acid position 1532, introducing a stop codon 6 residues downstream, NP_077719.2(NOTCH2):p.(Leu1532Alafs*6). This variant is predicted to result in loss of protein function through nonsense-mediated decay, which is a reported mechanism of pathogenicity for this gene. The variant is absent in population databases (gnomAD, dbSNP, 1000G) and has not been previously reported in clinical cases. However, multiple variants resulting in a premature termination codon have been reported upstream and downstream of this variant (ClinVar). Based on the information available at the time of curation, this variant has been classified as PATHOGENIC.